The following is an entry in ClinVar:

ClinVar aggregate classification (germline): Uncertain significance (1 of 4 stars; one submission).

gnomAD v4.1: 1 of 1,614,162 alleles (0.000062%); highest among the groups gnomAD compares: Non-Finnish European, 0.000085%; no homozygotes.

Submission:

GeneDx
Classification: Uncertain significance. Last evaluated: 2024-03-06. Review status: criteria provided, single submitter. Criteria: GeneDx Variant Classification Process June 2021. Collection method: clinical testing. Allele origin: germline. Affected: yes.
Comment: In silico analysis supports that this missense variant does not alter protein structure/function; Has not been previously published as pathogenic or benign to our knowledge; This variant is associated with the following publications: (PMID: 26100331, 25512093, 25609763)

NM_001376.5(DYNC1H1):c.9672A>G (p.Ile3224Met)

Gene: DYNC1H1 (dynein cytoplasmic 1 heavy chain 1; plus strand). Cytogenetic location: 14q32.31.
Variant type: single nucleotide variant.
Coding change: c.9672A>G on transcript NM_001376.5 (MANE Select); coding-DNA position 9672, A replaced by G.
Protein change: p.Ile3224Met; replaces isoleucine 3224 with methionine.
Molecular consequence: missense variant.
Genome position (GRCh38, 1-based): chr14:102,029,848, A>G. VCF-style: chr14-102029848-A-G. GRCh37 (hg19) VCF-style: chr14-102496185-A-G.
Other names: short protein forms I3224M.
Identifiers: ClinVar variation 3370642 (VCV003370642.1).
Genomic context (GRCh38, chr14:102,029,848, plus strand): 5'-CTCGTCTCTGAGTGTGGGCTTTGCTCTTTAGGTAGAAGAACTGCGTCGTGACTTGAGGAT[A>G]AAGAGCCAAGAGCTGGAGGTGAAGAATGCAGCAGCCAATGACAAGCTGAAAAAGATGGTG-3'
Protein context (NP_001367.2, residues 3214-3234): QVEELRRDLR[Ile3224Met]KSQELEVKNA